The following is an entry in ClinVar:

ClinVar aggregate classification (germline): Conflicting classifications of pathogenicity. Review status: criteria provided, conflicting classifications (1 of 4 stars). 2 submissions from 2 submitters: Uncertain significance (1); Likely benign (1). Last evaluated 2025-03-18.

Conditions:
Primary ciliary dyskinesia. Also called: Ciliary dyskinesia. Identifiers: Orphanet 244, MedGen C0008780, MONDO:0016575, HP:0012265.

Allele frequency attached by ClinVar (database versions not stated): gnomAD exomes 0.00001; gnomAD 0.00003; TOPMed 0.00003.
gnomAD v4.1: 36 of 1,590,842 alleles (0.0023%); highest among the groups gnomAD compares: Non-Finnish European, 0.0031%; no homozygotes.

Submissions (2):

Labcorp Genetics (formerly Invitae), Labcorp
Classification: Likely benign for Primary ciliary dyskinesia. Last evaluated: 2025-03-18. Review status: criteria provided, single submitter. Criteria: Invitae Variant Classification Sherloc (09022015). Collection method: clinical testing. Allele origin: germline.

Ambry Genetics
Classification: Uncertain significance for Primary ciliary dyskinesia. Last evaluated: 2023-06-29. Review status: criteria provided, single submitter. Criteria: Ambry Variant Classification Scheme 2023. Collection method: clinical testing. Allele origin: germline.
Comment: The p.L777F variant (also known as c.2329C>T), located in coding exon 14 of the DNAH11 gene, results from a C to T substitution at nucleotide position 2329. The leucine at codon 777 is replaced by phenylalanine, an amino acid with highly similar properties. This amino acid position is not well conserved in available vertebrate species. In addition, this alteration is predicted to be tolerated by in silico analysis. Since supporting evidence is limited at this time, the clinical significance of this alteration remains unclear.

NM_001277115.2(DNAH11):c.2329C>T (p.Leu777Phe)

Gene: DNAH11 (dynein axonemal heavy chain 11; plus strand). Cytogenetic location: 7p15.3.
Variant type: single nucleotide variant.
Coding change: c.2329C>T on transcript NM_001277115.2 (MANE Select); coding-DNA position 2329, C replaced by T.
Protein change: p.Leu777Phe; replaces leucine 777 with phenylalanine.
Molecular consequence: missense variant.
Genome position (GRCh38, 1-based): chr7:21,591,239, C>T. VCF-style: chr7-21591239-C-T. GRCh37 (hg19) VCF-style: chr7-21630857-C-T.
Other names: c.2329C>T (NM_001277115.1); short protein forms L777F.
Identifiers: ClinVar variation 1435241 (VCV001435241.8), dbSNP rs1163253626, ClinGen allele CA366942464.